The following is an entry in ClinVar:

NM_025144.4(ALPK1):c.2222A>G (p.Glu741Gly)

Gene: ALPK1 (alpha kinase 1; plus strand). Cytogenetic location: 4q25.
Variant type: single nucleotide variant.
Coding change: c.2222A>G on transcript NM_025144.4 (MANE Select); coding-DNA position 2222, A replaced by G.
Protein change: p.Glu741Gly; replaces glutamic acid 741 with glycine.
Molecular consequence: missense variant.
Genome position (GRCh38, 1-based): chr4:112,431,769, A>G. VCF-style: chr4-112431769-A-G. GRCh37 (hg19) VCF-style: chr4-113352925-A-G.
Other names: c.2222A>G, p.Glu741Gly (NM_001102406.2); c.1988A>G, p.Glu663Gly (NM_001253884.2); short protein forms E663G, E741G.
Identifiers: ClinVar variation 3623093 (VCV003623093.2).

ClinVar aggregate classification (germline): Uncertain significance (1 of 4 stars; one submission).

gnomAD v4.1: 2 of 1,614,092 alleles (0.00012%); highest among the groups gnomAD compares: Non-Finnish European, 0.00017%; no homozygotes.

Submission:

Labcorp Genetics (formerly Invitae), Labcorp
Classification: Uncertain significance. Last evaluated: 2024-11-23. Review status: criteria provided, single submitter. Criteria: Invitae Variant Classification Sherloc (09022015). Collection method: clinical testing. Allele origin: germline.
Comment: This sequence change replaces glutamic acid, which is acidic and polar, with glycine, which is neutral and non-polar, at codon 741 of the ALPK1 protein (p.Glu741Gly). This variant is not present in population databases (gnomAD no frequency). This variant has not been reported in the literature in individuals affected with ALPK1-related conditions. Invitae Evidence Modeling of protein sequence and biophysical properties (such as structural, functional, and spatial information, amino acid conservation, physicochemical variation, residue mobility, and thermodynamic stability) indicates that this missense variant is not expected to disrupt ALPK1 protein function with a negative predictive value of 80%. In summary, the available evidence is currently insufficient to determine the role of this variant in disease. Therefore, it has been classified as a Variant of Uncertain Significance.